The following is an entry in ClinVar:

NM_006914.4(RORB):c.30C>A (p.Cys10Ter)

Gene: RORB (RAR related orphan receptor B; plus strand). Cytogenetic location: 9q21.13.
Variant type: single nucleotide variant.
Coding change: c.30C>A on transcript NM_006914.4 (MANE Select); coding-DNA position 30, C replaced by A.
Protein change: p.Cys10Ter; replaces cysteine 10 with a stop codon.
Molecular consequence: nonsense.
Genome position (GRCh38, 1-based): chr9:74,630,304, C>A. VCF-style: chr9-74630304-C-A. GRCh37 (hg19) VCF-style: chr9-77245220-C-A.
Other names: c.63C>A, p.Cys21Ter (NM_001365023.1); short protein forms C10*, C21*.
Identifiers: ClinVar variation 4839807 (VCV004839807.1).

ClinVar aggregate classification (germline): Pathogenic (1 of 4 stars; one submission).

Conditions:
Inborn genetic diseases. Identifiers: MedGen C0950123, MeSH D030342.

Submission:

Ambry Genetics
Classification: Pathogenic for Inborn genetic diseases. Last evaluated: 2026-02-23. Review status: criteria provided, single submitter. Criteria: Ambry Variant Classification Scheme 2023. Collection method: clinical testing. Allele origin: germline.
Comment: The c.30C>A (p.C10*) alteration, located in exon 2 (coding exon 2) of the RORB gene, consists of a C to A substitution at nucleotide position 30. This changes the amino acid from a cysteine (C) to a stop codon at amino acid position 10. This variant is expected to result in loss of function by premature protein truncation or nonsense-mediated mRNA decay. This variant was not reported in population-based cohorts in the Genome Aggregation Database (gnomAD). Based on the available evidence, this alteration is classified as pathogenic.